The following is an entry in ClinVar:

NM_005276.4(GPD1):c.167C>T (p.Thr56Met)

Gene: GPD1 (glycerol-3-phosphate dehydrogenase 1; plus strand). Cytogenetic location: 12q13.12.
Variant type: single nucleotide variant.
Coding change: c.167C>T on transcript NM_005276.4 (MANE Select); coding-DNA position 167, C replaced by T.
Protein change: p.Thr56Met; replaces threonine 56 with methionine.
Molecular consequence: missense variant.
Genome position (GRCh38, 1-based): chr12:50,104,699, C>T. VCF-style: chr12-50104699-C-T. GRCh37 (hg19) VCF-style: chr12-50498482-C-T.
Other names: c.167C>T, p.Thr56Met (NM_001257199.2); short protein forms T56M.
Identifiers: ClinVar variation 4265532 (VCV004265532.2).

ClinVar aggregate classification (germline): Uncertain significance. Review status: criteria provided, multiple submitters, no conflicts (2 of 4 stars). 2 submissions from 2 submitters: Uncertain significance (2). Last evaluated 2025-08-31.

Conditions:
Inborn genetic diseases. Identifiers: MedGen C0950123, MeSH D030342.

Submissions (2):

Ambry Genetics
Classification: Uncertain significance for Inborn genetic diseases. Last evaluated: 2025-08-31. Review status: criteria provided, single submitter. Criteria: Ambry Variant Classification Scheme 2023. Collection method: clinical testing. Allele origin: germline.

Labcorp Genetics (formerly Invitae), Labcorp
Classification: Uncertain significance. Last evaluated: 2025-03-12. Review status: criteria provided, single submitter. Criteria: Invitae Variant Classification Sherloc (09022015). Collection method: clinical testing. Allele origin: germline.
Comment: This sequence change replaces threonine, which is neutral and polar, with methionine, which is neutral and non-polar, at codon 56 of the GPD1 protein (p.Thr56Met). This variant is present in population databases (rs370885973, gnomAD 0.01%). This variant has not been reported in the literature in individuals affected with GPD1-related conditions. Invitae Evidence Modeling of protein sequence and biophysical properties (such as structural, functional, and spatial information, amino acid conservation, physicochemical variation, residue mobility, and thermodynamic stability) indicates that this missense variant is not expected to disrupt GPD1 protein function with a negative predictive value of 80%. In summary, the available evidence is currently insufficient to determine the role of this variant in disease. Therefore, it has been classified as a Variant of Uncertain Significance.